The following is an entry in ClinVar:

ClinVar aggregate classification (germline): Uncertain significance. Review status: criteria provided, multiple submitters, no conflicts (2 of 4 stars). 2 submissions from 2 submitters: Uncertain significance (2). Last evaluated 2025-12-10.

Conditions:
Inborn genetic diseases. Identifiers: MedGen C0950123, MeSH D030342.
Frasier syndrome. Identifiers: Orphanet 347, MedGen C0950122, MeSH D052159, MONDO:0007635, OMIM 136680.
Drash syndrome (DDS). Also called: NEPHROPATHY, WILMS TUMOR, AND GENITAL ANOMALIES; WILMS TUMOR AND PSEUDO- OR TRUE HERMAPHRODITISM. Identifiers: Orphanet 220, MedGen C0950121, MONDO:0008682, OMIM 194080.
Wilms tumor 1 (WT1). Also called: Wilms tumor, somatic. Identifiers: Orphanet 654, MedGen CN033288, MONDO:0008679, OMIM 194070.
11p partial monosomy syndrome (WAGR). Also called: WAGR Spectrum Disorder; CHROMOSOME 11p13 DELETION SYNDROME; WAGR syndrome; WAGR Complex. Identifiers: Orphanet 893, MedGen C0206115, MONDO:0008681, OMIM 194072.

Submissions (2):

Ambry Genetics
Classification: Uncertain significance for Inborn genetic diseases. Last evaluated: 2025-12-10. Review status: criteria provided, single submitter. Criteria: Ambry Variant Classification Scheme 2023. Collection method: clinical testing. Allele origin: germline.
Comment: The p.S383C variant (also known as c.1148C>G), located in coding exon 7 of the WT1 gene, results from a C to G substitution at nucleotide position 1148. The serine at codon 383 is replaced by cysteine, an amino acid with dissimilar properties. This amino acid position is conserved. In addition, the in silico prediction for this alteration is inconclusive. Based on the available evidence, the clinical significance of this variant remains unclear.

Labcorp Genetics (formerly Invitae), Labcorp
Classification: Uncertain significance for Wilms tumor 1; Drash syndrome; 11p partial monosomy syndrome; Frasier syndrome. Last evaluated: 2023-03-30. Review status: criteria provided, single submitter. Criteria: Invitae Variant Classification Sherloc (09022015). Collection method: clinical testing. Allele origin: germline.
Comment: This sequence change replaces serine, which is neutral and polar, with cysteine, which is neutral and slightly polar, at codon 383 of the WT1 protein (p.Ser383Cys). In summary, the available evidence is currently insufficient to determine the role of this variant in disease. Therefore, it has been classified as a Variant of Uncertain Significance. An algorithm developed to predict the effect of missense changes on protein structure and function (PolyPhen-2) suggests that this variant is likely to be disruptive. This variant has not been reported in the literature in individuals affected with WT1-related conditions. This variant is not present in population databases (gnomAD no frequency).

NM_024426.6(WT1):c.1163C>G (p.Ser388Cys)

Gene: WT1 (WT1 transcription factor; minus strand). Cytogenetic location: 11p13.
Variant type: single nucleotide variant.
Coding change: c.1163C>G on transcript NM_024426.6 (MANE Select); coding-DNA position 1163, C replaced by G.
Protein change: p.Ser388Cys; replaces serine 388 with cysteine.
Molecular consequence: missense variant. On other transcripts: 5 prime UTR variant (1), non-coding transcript variant (2).
Genome position (GRCh38, 1-based): chr11:32,396,358, G>C on the plus strand (C>G on the coding strand, the complement: WT1 is on the minus strand). VCF-style: chr11-32396358-G-C. GRCh37 (hg19) VCF-style: chr11-32417904-G-C.
Other names: c.1148C>G (NM_024426.4); c.1112C>G, p.Ser371Cys (NM_000378.6, NM_001407045.1, NM_001407048.1 and 1 more transcripts); c.512C>G, p.Ser171Cys (NM_001198551.2); c.461C>G, p.Ser154Cys (NM_001198552.2); c.-26C>G (NM_001367854.1); c.1157C>G, p.Ser386Cys (NM_001407044.1); c.1163C>G, p.Ser388Cys (NM_001407046.1, NM_024424.5); c.1040C>G, p.Ser347Cys (NM_001407047.1); and 3 more; short protein forms S154C, S171C, S383C, S347C, S134C, S371C, S388C, S330C.
Identifiers: ClinVar variation 2945965 (VCV002945965.4), dbSNP rs2132940982, ClinGen allele CA379959998.